The following is an entry in ClinVar:

NM_000186.4(CFH):c.2019T>A (p.Cys673Ter)

Gene: CFH (complement factor H; plus strand). Cytogenetic location: 1q31.3.
Variant type: single nucleotide variant.
Coding change: c.2019T>A on transcript NM_000186.4 (MANE Select); coding-DNA position 2019, T replaced by A.
Protein change: p.Cys673Ter; replaces cysteine 673 with a stop codon.
Molecular consequence: nonsense.
Genome position (GRCh38, 1-based): chr1:196,726,615, T>A. VCF-style: chr1-196726615-T-A. GRCh37 (hg19) VCF-style: chr1-196695745-T-A.
Other names: short protein forms C673*.
Identifiers: ClinVar variation 4291442 (VCV004291442.1).

ClinVar aggregate classification (germline): Likely pathogenic, low penetrance (1 of 4 stars; one submission).

Conditions:
Atypical hemolytic-uremic syndrome. Identifiers: Orphanet 2134, MedGen C2931788, MONDO:0016244.
Basal laminar drusen. Also called: DRUSEN OF BRUCH MEMBRANE; DRUSEN, CUTICULAR; DRUSEN, EARLY ADULT-ONSET, GROUPED. Identifiers: Orphanet 75376, MedGen C0730295, MONDO:0007472, OMIM 126700.
Factor H deficiency (CFHD). Also called: COMPLEMENT FACTOR H DEFICIENCY; CFH DEFICIENCY. Identifiers: Orphanet 200421, MedGen C0398777, MONDO:0012350, OMIM 609814.
Age related macular degeneration 4. Identifiers: MedGen C1853147, MONDO:0012540, OMIM 610698.

Submission:

Genomenon, Inc
Classification: Likely pathogenic, low penetrance for Basal laminar drusen; Age related macular degeneration 4; Atypical hemolytic-uremic syndrome; Factor H deficiency. Last evaluated: 2025-10-02. Review status: criteria provided, single submitter. Criteria: Genomenon Sequence Variant Interpretation Standards - Updated. Collection method: curation. Allele origin: germline. Affected: no.
Comment: CFH p.Cys673Ter (c.2019T>A) is a nonsense variant that introduces a premature stop codon at amino acid position 673, creating a truncated protein that is predicted to undergo nonsense-mediated mRNA decay. This variant has been reported in the published literature (PMID:26283675). It is absent or not present at a significant frequency in gnomAD. In conclusion, we classify CFH p.Cys673Ter (c.2019T>A) as a likely pathogenic, low penetrance variant.

Literature cited by the submitters: PubMed 26283675.